The following is an entry in ClinVar:

ClinVar aggregate classification (germline): Pathogenic. Review status: criteria provided, single submitter (1 of 4 stars). 2 submissions from 2 submitters: Pathogenic (1). 1 of the submissions does not count toward it. Last evaluated 2024-06-07.

Conditions:
Intellectual developmental disorder, autosomal dominant 46. Also called: Intellectual disability, autosomal dominant 46; MENTAL RETARDATION, AUTOSOMAL DOMINANT 46. Identifiers: MedGen C4539851, MONDO:0030911, OMIM 617601.

Submissions (2):

Labcorp Genetics (formerly Invitae), Labcorp
Classification: Pathogenic. Last evaluated: 2024-06-07. Review status: criteria provided, single submitter. Criteria: Invitae Variant Classification Sherloc (09022015). Collection method: clinical testing. Allele origin: germline.
Comment: This sequence change replaces glycine, which is neutral and non-polar, with alanine, which is neutral and non-polar, at codon 347 of the KCNQ5 protein (p.Gly347Ala). This variant is not present in population databases (gnomAD no frequency). This missense change has been observed in individual(s) with developmental and epileptic encephalopathy (PMID: 35377796). In at least one individual the variant was observed to be de novo. ClinVar contains an entry for this variant (Variation ID: 975567). Advanced modeling of protein sequence and biophysical properties (such as structural, functional, and spatial information, amino acid conservation, physicochemical variation, residue mobility, and thermodynamic stability) performed at Invitae indicates that this missense variant is expected to disrupt KCNQ5 protein function with a positive predictive value of 80%. Experimental studies have shown that this missense change affects KCNQ5 function (PMID: 35377796). This variant disrupts the p.Gly347 amino acid residue in KCNQ5. Other variant(s) that disrupt this residue have been determined to be pathogenic (PMID: 35377796). This suggests that this residue is clinically significant, and that variants that disrupt this residue are likely to be disease-causing. For these reasons, this variant has been classified as Pathogenic.

Centre de Biologie Pathologie Génétique, Centre Hospitalier Universitaire de Lille
Classification: Likely pathogenic for Intellectual disability, autosomal dominant 46. Last evaluated: 2019-01-01. Review status: no assertion criteria provided. Collection method: clinical testing. Allele origin: unknown. Affected: yes. Not counted in ClinVar's aggregate classification.

Literature cited by the submitters: PubMed 35377796 (cited by Labcorp Genetics (formerly Invitae), Labcorp).

NM_019842.4(KCNQ5):c.1040G>C (p.Gly347Ala)

Gene: KCNQ5 (potassium voltage-gated channel subfamily Q member 5; plus strand). Cytogenetic location: 6q13.
Variant type: single nucleotide variant.
Coding change: c.1040G>C on transcript NM_019842.4 (MANE Select); coding-DNA position 1040, G replaced by C.
Protein change: p.Gly347Ala; replaces glycine 347 with alanine.
Molecular consequence: missense variant.
Genome position (GRCh38, 1-based): chr6:73,111,318, G>C. VCF-style: chr6-73111318-G-C. GRCh37 (hg19) VCF-style: chr6-73821041-G-C.
Other names: c.1040G>C, p.Gly347Ala (NM_001160130.2, NM_001160132.2, NM_001160133.2 and 1 more transcripts); short protein forms G347A.
Identifiers: ClinVar variation 975567 (VCV000975567.3), dbSNP rs1775232605, ClinGen allele CA364826813.